The following is an entry in ClinVar:

ClinVar aggregate classification (germline): Pathogenic (1 of 4 stars; one submission).

Conditions:
Capillary malformation-arteriovenous malformation syndrome. Also called: Capillary malformation-arteriovenous malformation. Identifiers: Orphanet 137667, MedGen C1842180, MONDO:0012016.

Submission:

Labcorp Genetics (formerly Invitae), Labcorp
Classification: Pathogenic for Capillary malformation-arteriovenous malformation syndrome. Last evaluated: 2018-03-22. Review status: criteria provided, single submitter. Criteria: Invitae Variant Classification Sherloc (09022015). Collection method: clinical testing. Allele origin: germline.
Comment: This sequence change creates a premature translational stop signal (p.Gly420Trpfs*14) in the RASA1 gene. It is expected to result in an absent or disrupted protein product. For these reasons, this variant has been classified as Pathogenic. Loss-of-function variants in RASA1 are known to be pathogenic (PMID: 24038909). This variant has not been reported in the literature in individuals with RASA1-related disease. This variant is not present in population databases (ExAC no frequency).

Literature cited by the submitters: PubMed 24038909.

NM_002890.3(RASA1):c.1257dup (p.Gly420fs)

Genes: CCNH (cyclin H; minus strand), RASA1 (RAS p21 protein activator 1; plus strand). Cytogenetic location: 5q14.3.
Variant type: Duplication.
Coding change: c.1257dup on transcript NM_002890.3 (MANE Select); coding-DNA position 1257, one base duplicated (T; older notation c.1257dupT).
Protein change: p.Gly420fs; shifts the reading frame from glycine 420.
Molecular consequence: frameshift variant. On other transcripts: intron variant (1).
Genome position (GRCh38, 1-based): chr5:87,353,160, T duplicated; the last of 2 consecutive T bases (chr5:87,353,159-87,353,160); duplicating either gives the same sequence. VCF-style (leftmost placement, unchanged base first): chr5-87353158-A-AT. GRCh37 (hg19) VCF-style: chr5-86648975-A-AT.
Other names: c.726dup, p.Gly243fs (NM_022650.3); c.934-40364dup (NM_001364075.2); short protein forms G420fs, G243fs.
Identifiers: ClinVar variation 978533 (VCV000978533.8), dbSNP rs1759404954, ClinGen allele CA1139658948.